The following is an entry in ClinVar:

NM_004999.4(MYO6):c.3020G>C (p.Arg1007Pro)

Gene: MYO6 (myosin VI; plus strand). Cytogenetic location: 6q14.1.
Variant type: single nucleotide variant.
Coding change: c.3020G>C on transcript NM_004999.4 (MANE Select); coding-DNA position 3020, G replaced by C.
Protein change: p.Arg1007Pro; replaces arginine 1007 with proline.
Molecular consequence: missense variant. On other transcripts: non-coding transcript variant (1).
Genome position (GRCh38, 1-based): chr6:75,892,603, G>C. VCF-style: chr6-75892603-G-C. GRCh37 (hg19) VCF-style: chr6-76602320-G-C.
Other names: c.3020G>C, p.Arg1007Pro (NM_001300899.2, NM_001368136.1, NM_001368137.1 and 2 more transcripts); c.3005G>C, p.Arg1002Pro (NM_001368138.1); short protein forms R1002P, R1007P.
Identifiers: ClinVar variation 4999311 (VCV004999311.1).
Genomic context (GRCh38, chr6:75,892,603, plus strand): 5'-CACAGCTGGCCCGACAGAAGGAGGAGGAATCCCAACAGCAAGCAGTTCTGGAGCAGGAGC[G>C]CAGGGACCGGGAGCTGGCCCTGAGGATTGCCCAGAGTGAAGCCGAGCTCATCAGTGATGA-3'
Protein context (NP_004990.3, residues 997-1017): SQQQAVLEQE[Arg1007Pro]RDRELALRIA

ClinVar aggregate classification (germline): Uncertain significance (1 of 4 stars; one submission).

Conditions:
MYO6-related disorder. Also called: MYO6-related disorders; MYO6-related condition.

gnomAD v4.1: 6 of 1,613,464 alleles (0.00037%); highest among the groups gnomAD compares: Non-Finnish European, 0.00051%; no homozygotes.

Submission:

PreventionGenetics, part of Exact Sciences
Classification: Uncertain significance for MYO6-related condition. Last evaluated: 2025-03-11. Review status: criteria provided, single submitter. Criteria: ACMG Guidelines, 2015. Collection method: clinical testing. Allele origin: germline.
Comment: The MYO6 c.3020G>C variant is predicted to result in the amino acid substitution p.Arg1007Pro. To our knowledge, this variant has not been reported in the literature or in a large population database (gnomAD), indicating this variant is rare. At this time, the clinical significance of this variant is uncertain due to the absence of conclusive functional and genetic evidence.